The following is an entry in ClinVar:

NM_024753.5(TTC21B):c.264_267dupTAGA

Genes: TTC21B (tetratricopeptide repeat domain 21B; minus strand), TTC21B-AS1 (TTC21B antisense RNA 1; plus strand). Cytogenetic location: 2q24.3.
Variant type: Duplication.
Coding change: c.264_267dupTAGA on transcript NM_024753.5 (MANE Select); coding-DNA positions 264 to 267, 4 bases duplicated (TAGA).
Molecular consequence: splice acceptor variant.
Genome position (GRCh38, 1-based): chr2:165,945,686-165,945,689, TCTA duplicated on the plus strand (TAGA on the coding strand, the reverse complement: TTC21B is on the minus strand); duplicating any 4 consecutive bases within chr2:165,945,686-165,945,692 gives the same sequence; the c. name uses the placement nearest the transcript's 3' end. VCF-style (leftmost placement, unchanged base first): chr2-165945685-C-CTCTA. GRCh37 (hg19) VCF-style: chr2-166802195-C-CTCTA.
Other names: c.264_267dup (NM_024753.5).
Identifiers: ClinVar variation 1179137 (VCV001179137.10), dbSNP rs748514860, ClinGen allele CA1942489.
Genomic context (GRCh38, chr2:165,945,685, plus strand): 5'-CTTTCTCTCCAGCTCCTTTACGTTGTTCCTTCACTCTGGCATCTGATTCCAGAATAGCTT[C>CTCTA]TCTATCTGGTAGGGGAAAATGATATTAAATAAAAATTAAATTCTGGATCAGGTATTTATA-3'

ClinVar aggregate classification (germline): Pathogenic. Review status: criteria provided, multiple submitters, no conflicts (2 of 4 stars). 6 submissions from 6 submitters: Pathogenic (5). 1 of the submissions does not count toward it. Last evaluated 2024-11-27.

Conditions:
Nephronophthisis 12 (NPHP12). Identifiers: Orphanet 655, MedGen C3151186, MONDO:0013442, OMIM 613820.
TTC21B-related disorder. Also called: TTC21B-related condition; TTC21B-related disorders.
Jeune thoracic dystrophy. Also called: Infantile thoracic dystrophy; Thoracic pelvic phalangeal dystrophy; Jeune's syndrome; Chondroectodermal dysplasia-like syndrome; Short-rib thoracic dysplasia; Jeune syndrome. Identifiers: Orphanet 474, MedGen C0265275, MONDO:0018770.
Nephronophthisis. Also called: Juvenile Nephronophthisis. Identifiers: Orphanet 655, MedGen C0687120, MONDO:0019005, HP:0000090.
Asphyxiating thoracic dystrophy 4 (SRTD4). Also called: SHORT-RIB THORACIC DYSPLASIA 4; SHORT-RIB THORACIC DYSPLASIA 4 WITH OR WITHOUT POLYDACTYLY. Identifiers: Orphanet 474, MedGen C3151185, MONDO:0013441, OMIM 613819.
Bardet-Biedl syndrome 2 (BBS2). Identifiers: Orphanet 110, MedGen C2936863, MONDO:0014432, OMIM 615981.

Submissions (6):

3billion
Classification: Pathogenic for Nephronophthisis 12. Last evaluated: 2024-11-27. Review status: criteria provided, single submitter. Criteria: ACMG Guidelines, 2015. Collection method: clinical testing. Allele origin: germline. Affected: yes.
Comment: The variant is observed at an extremely low frequency in the gnomAD v4.1.0 dataset (total allele frequency: <0.001%). Predicted Consequence/Location: Stop-gained (nonsense): predicted to result in a loss or disruption of normal protein function through nonsense-mediated decay (NMD) or protein truncation. Multiple pathogenic variants are reported downstream of the variant. The variant has been reported at least twice as pathogenic without evidence for the classification (ClinVar ID: VCV001179137 /PMID: 23559409). Therefore, this variant is classified as Pathogenic according to the recommendation of ACMG/AMP guideline.

Labcorp Genetics (formerly Invitae), Labcorp
Classification: Pathogenic for Jeune thoracic dystrophy; Nephronophthisis. Last evaluated: 2023-12-29. Review status: criteria provided, single submitter. Criteria: Invitae Variant Classification Sherloc (09022015). Collection method: clinical testing. Allele origin: germline.
Comment: This sequence change creates a premature translational stop signal (p.Glu90*) in the TTC21B gene. It is expected to result in an absent or disrupted protein product. Loss-of-function variants in TTC21B are known to be pathogenic (PMID: 18327258, 21068128, 21258341, 23559409, 24876116, 25492405, 27491411, 29068549). This variant is present in population databases (rs748514860, gnomAD 0.08%). This premature translational stop signal has been observed in individual(s) with TTC21B-related conditions (PMID: 23559409, 25492405, 36263627). ClinVar contains an entry for this variant (Variation ID: 1179137). Algorithms developed to predict the effect of sequence changes on RNA splicing suggest that this variant may create or strengthen a splice site. For these reasons, this variant has been classified as Pathogenic.

Blueprint Genetics
Classification: Pathogenic for TTC21B-related disorders. Last evaluated: 2023-01-24. Review status: criteria provided, single submitter. Criteria: ACMG Guidelines, 2015. Collection method: clinical testing. Allele origin: germline. Affected: yes. Observed: 2 variant alleles.

Fulgent Genetics
Classification: Pathogenic for Asphyxiating thoracic dystrophy 4; Nephronophthisis 12. Last evaluated: 2021-06-30. Review status: criteria provided, single submitter. Criteria: ACMG Guidelines, 2015. Collection method: clinical testing. Allele origin: unknown.
Comment: This variant has been detected in individual(s) who were sent for testing of Renasight - kidney gene panel.

Juno Genomics, Hangzhou Juno Genomics, Inc
Classification: Pathogenic for Nephronophthisis 12. Review status: criteria provided, single submitter. Criteria: ACMG Guidelines, 2015. Collection method: clinical testing. Allele origin: germline. Affected: yes.
Comment: Absent from controls (or at extremely low frequency if recessive) in Genome Aggregation Database, Exome Sequencing Project, 1000 Genomes Project, or Exome Aggregation Consortium.;Null variant in a gene where loss of function (LOF) is a known mechanism of disease.;For recessive disorders, detected in trans with a pathogenic variant.;Patient's phenotype or family history is highly specific for a disease with a single genetic etiology.

Department of Pediatrics, National Cheng-Kung University Hospital
Classification: Uncertain significance for Bardet-Biedl syndrome 2. Review status: no assertion criteria provided. Collection method: clinical testing. Allele origin: germline. Inheritance: Autosomal dominant inheritance. Not counted in ClinVar's aggregate classification.

Literature cited by the submitters: PubMed 23559409 (cited by 3billion and Labcorp Genetics (formerly Invitae), Labcorp); PubMed 18327258 (cited by Labcorp Genetics (formerly Invitae), Labcorp); PubMed 21068128 (cited by Labcorp Genetics (formerly Invitae), Labcorp); PubMed 21258341 (cited by Labcorp Genetics (formerly Invitae), Labcorp); PubMed 24876116 (cited by Labcorp Genetics (formerly Invitae), Labcorp); PubMed 25492405 (cited by Labcorp Genetics (formerly Invitae), Labcorp); PubMed 27491411 (cited by Labcorp Genetics (formerly Invitae), Labcorp); PubMed 29068549 (cited by Labcorp Genetics (formerly Invitae), Labcorp); PubMed 36263627 (cited by Labcorp Genetics (formerly Invitae), Labcorp).